The following is an entry in ClinVar:

NM_006206.6(PDGFRA):c.804C>A (p.Ser268=)

Gene: PDGFRA (platelet derived growth factor receptor alpha; plus strand). Cytogenetic location: 4q12.
Variant type: single nucleotide variant.
Coding change: c.804C>A on transcript NM_006206.6 (MANE Select); coding-DNA position 804, C replaced by A.
Protein change: p.Ser268=; no amino-acid change (serine 268 retained).
Molecular consequence: synonymous variant.
Genome position (GRCh38, 1-based): chr4:54,267,333, C>A. VCF-style: chr4-54267333-C-A. GRCh37 (hg19) VCF-style: chr4-55133500-C-A.
Other names: c.804C>A, p.Ser268= (NM_001347827.2, NM_001347829.2); c.879C>A, p.Ser293= (NM_001347828.2); c.843C>A, p.Ser281= (NM_001347830.2).
Identifiers: ClinVar variation 717795 (VCV000717795.12), dbSNP rs1577714585, ClinGen allele CA439286040.

ClinVar aggregate classification (germline): Benign/Likely benign. Review status: criteria provided, multiple submitters, no conflicts (2 of 4 stars). 3 submissions from 3 submitters: Benign (1); Likely benign (2). Last evaluated 2026-06-16.

Conditions:
Polyps, multiple and recurrent inflammatory fibroid, gastrointestinal. Identifiers: MedGen C5193005, MONDO:0008285, OMIM 175510.
Hereditary cancer-predisposing syndrome. Also called: Neoplastic Syndromes, Hereditary; Hereditary Cancer Syndrome; Hereditary neoplastic syndrome; Tumor predisposition. Identifiers: Orphanet 140162, MedGen C0027672, MeSH D009386, MONDO:0015356.
Gastrointestinal stromal tumor. Also called: Gastrointestinal stromal tumor, somatic; Gastrointestinal stroma tumor. Identifiers: Orphanet 44890, MedGen C0238198, MeSH D046152, MONDO:0011719, OMIM 606764, HP:0100723.

Allele frequency attached by ClinVar (database versions not stated): gnomAD exomes below 0.00001.
gnomAD v4.1: 3 of 1,614,178 alleles (0.00019%); highest among the groups gnomAD compares: Non-Finnish European, 0.00025%; no homozygotes.

Submissions (3):

Myriad Genetics, Inc.
Classification: Benign for Polyps, multiple and recurrent inflammatory fibroid, gastrointestinal. Last evaluated: 2026-06-16. Review status: criteria provided, single submitter. Criteria: Myriad Autosomal Dominant, Autosomal Recessive and X-Linked Classification Criteria (2023). Collection method: clinical testing. Allele origin: unknown.
Comment: This variant is considered benign. This variant is a silent/synonymous amino acid change and it is not expected to impact splicing.

Labcorp Genetics (formerly Invitae), Labcorp
Classification: Likely benign for Gastrointestinal stromal tumor. Last evaluated: 2025-08-25. Review status: criteria provided, single submitter. Criteria: Invitae Variant Classification Sherloc (09022015). Collection method: clinical testing. Allele origin: germline.

Ambry Genetics
Classification: Likely benign for Hereditary cancer-predisposing syndrome. Last evaluated: 2020-01-20. Review status: criteria provided, single submitter. Criteria: Ambry Variant Classification Scheme 2023. Collection method: clinical testing. Allele origin: germline.